The following is an entry in ClinVar:

NM_001271696.3(ABCB7):c.1739_1740inv (p.Ala580Val)

Gene: ABCB7 (ATP binding cassette subfamily B member 7; minus strand). Cytogenetic location: Xq13.3.
Variant type: Inversion.
Coding change: c.1739_1740inv on transcript NM_001271696.3 (MANE Select).
Protein change: p.Ala580Val; replaces alanine 580 with valine.
Molecular consequence: missense variant.
Genome position: GRCh38 VCF-style: chrX-75065161-TG-CA. GRCh37 (hg19) VCF-style: chrX-74284996-TG-CA.
Other names: c.1619_1620inv, p.Ala540Val (NM_001271697.3); c.1661_1662inv, p.Ala554Val (NM_001271698.3); c.1622_1623inv, p.Ala541Val (NM_001271699.3); c.1742_1743inv, p.Ala581Val (NM_004299.6); short protein forms A541V, A554V, A580V, A581V, A540V.
Identifiers: ClinVar variation 559331 (VCV000559331.14), ClinGen allele CA331330425.

ClinVar aggregate classification (germline): Benign/Likely benign. Review status: criteria provided, multiple submitters, no conflicts (2 of 4 stars). 3 submissions from 3 submitters: Benign (1); Likely benign (1). 1 of the submissions does not count toward it. Last evaluated 2026-08-01.

Submissions (3):

CeGaT Center for Human Genetics Tuebingen
Classification: Likely benign. Last evaluated: 2026-08-01. Review status: criteria provided, single submitter. Criteria: CeGaT Center For Human Genetics Tuebingen Variant Classification Criteria Version 2. Collection method: clinical testing. Allele origin: germline. Affected: yes. Observed: 4 variant alleles.
Comment: ABCB7: BS1

Labcorp Genetics (formerly Invitae), Labcorp
Classification: Benign. Last evaluated: 2026-02-04. Review status: criteria provided, single submitter. Criteria: Invitae Variant Classification Sherloc (09022015). Collection method: clinical testing. Allele origin: germline.

Mayo Clinic Laboratories, Mayo Clinic
Classification: Benign. Last evaluated: 2016-03-15. Review status: no assertion criteria provided. Collection method: clinical testing. Allele origin: unknown. Not counted in ClinVar's aggregate classification.